The following is an entry in ClinVar:

ClinVar aggregate classification (germline): Conflicting classifications of pathogenicity. Review status: criteria provided, conflicting classifications (1 of 4 stars). 2 submissions from 2 submitters: Uncertain significance (1); Benign (1). Last evaluated 2025-07-04.

Conditions:
Lynch syndrome 4 (LYNCH4). Also called: Colorectal cancer, hereditary nonpolyposis, type 4; Hereditary non-polyposis colorectal cancer, type 4. Identifiers: Orphanet 144, MedGen C1838333, MONDO:0013699, OMIM 614337. Disease mechanism: loss of function.
Hereditary cancer-predisposing syndrome. Also called: Hereditary neoplastic syndrome; Hereditary Cancer Syndrome; Neoplastic Syndromes, Hereditary; Tumor predisposition. Identifiers: Orphanet 140162, MedGen C0027672, MeSH D009386, MONDO:0015356.

Submissions (2):

Color Diagnostics, LLC DBA Color Health
Classification: Uncertain significance for Hereditary cancer-predisposing syndrome. Last evaluated: 2025-07-04. Review status: criteria provided, single submitter. Criteria: ACMG Guidelines, 2015. Collection method: clinical testing. Allele origin: germline.
Comment: This variant is located in the 3' untranslated region of the PMS2 gene. To our knowledge, functional studies have not been reported for this variant. This variant has not been reported in individuals affected with PMS2-related disorders in the literature. This variant has been identified in 1/199490 chromosomes in the general population by the Genome Aggregation Database (gnomAD). The available evidence is insufficient to determine the role of this variant in disease conclusively. Therefore, this variant is classified as a Variant of Uncertain Significance.

Myriad Genetics, Inc.
Classification: Benign for Lynch syndrome 4. Last evaluated: 2025-02-04. Review status: criteria provided, single submitter. Criteria: Myriad Autosomal Dominant, Autosomal Recessive and X-Linked Classification Criteria (2023). Collection method: clinical testing. Allele origin: unknown.
Comment: This variant is considered benign. This variant occurs in the non-coding 3' untranslated region of the gene, and is not expected to impact protein function.

NM_000535.7(PMS2):c.*2C>G

Gene: PMS2 (PMS1 homolog 2, mismatch repair system component; minus strand). Cytogenetic location: 7p22.1.
Variant type: single nucleotide variant.
Coding change: c.*2C>G on transcript NM_000535.7 (MANE Select); 2 bases downstream of the stop codon, C replaced by G.
Molecular consequence: 3 prime UTR variant. On other transcripts: non-coding transcript variant (1).
Genome position (GRCh38, 1-based): chr7:5,973,397, G>C on the plus strand (C>G on the coding strand, the complement: PMS2 is on the minus strand). VCF-style: chr7-5973397-G-C. GRCh37 (hg19) VCF-style: chr7-6013028-G-C.
Other names: c.*2C>G (NM_001018040.1, NM_001322003.2, NM_001322004.2 and 57 more transcripts).
Identifiers: ClinVar variation 2774116 (VCV002774116.4), dbSNP rs764124442, ClinGen allele CA049053.